The following is an entry in ClinVar:

ClinVar aggregate classification (germline): Uncertain significance. Review status: criteria provided, multiple submitters, no conflicts (2 of 4 stars). 2 submissions from 2 submitters: Uncertain significance (2). Last evaluated 2025-01-20.

Allele frequency attached by ClinVar (database versions not stated): gnomAD 0.00001; TOPMed 0.00002; ExAC 0.00007.
gnomAD v4.1: 16 of 1,546,742 alleles (0.001%); highest among the groups gnomAD compares: Admixed American, 0.006%; no homozygotes.

Submissions (2):

Labcorp Genetics (formerly Invitae), Labcorp
Classification: Uncertain significance. Last evaluated: 2025-01-20. Review status: criteria provided, single submitter. Criteria: Invitae Variant Classification Sherloc (09022015). Collection method: clinical testing. Allele origin: germline.
Comment: This sequence change replaces alanine, which is neutral and non-polar, with valine, which is neutral and non-polar, at codon 1188 of the MYH7B protein (p.Ala1188Val). The frequency data for this variant in the population databases is considered unreliable, as metrics indicate poor data quality at this position in the gnomAD database. This variant has not been reported in the literature in individuals affected with MYH7B-related conditions. ClinVar contains an entry for this variant (Variation ID: 1448829). Invitae Evidence Modeling of protein sequence and biophysical properties (such as structural, functional, and spatial information, amino acid conservation, physicochemical variation, residue mobility, and thermodynamic stability) indicates that this missense variant is not expected to disrupt MYH7B protein function with a negative predictive value of 80%. In summary, the available evidence is currently insufficient to determine the role of this variant in disease. Therefore, it has been classified as a Variant of Uncertain Significance.

Ambry Genetics
Classification: Uncertain significance. Last evaluated: 2023-04-26. Review status: criteria provided, single submitter. Criteria: Ambry Variant Classification Scheme 2023. Collection method: clinical testing. Allele origin: germline.

NM_020884.7(MYH7B):c.3437C>T (p.Ala1146Val)

Gene: MYH7B (myosin heavy chain 7B; plus strand). Cytogenetic location: 20q11.22.
Variant type: single nucleotide variant.
Coding change: c.3437C>T on transcript NM_020884.7 (MANE Select); coding-DNA position 3437, C replaced by T.
Protein change: p.Ala1146Val; replaces alanine 1146 with valine.
Molecular consequence: missense variant.
Genome position (GRCh38, 1-based): chr20:34,997,330, C>T. VCF-style: chr20-34997330-C-T. GRCh37 (hg19) VCF-style: chr20-33585133-C-T.
Other names: c.3563C>T (NM_020884.3); short protein forms A1146V.
Identifiers: ClinVar variation 1448829 (VCV001448829.9), dbSNP rs777685720, ClinGen allele CA9827731.
Genomic context (GRCh38, chr20:34,997,330, plus strand): 5'-AAGAGGAGCTGGAGGCAGAGCGGGCAGCCCGGGCCCGCGTGGAGAAGCAGCGTGCAGAGG[C>T]GGCGCGGGAGCTGGAGGAGCTGAGCGAGCGGCTGGAGGAGGCAGGCGGCGCATCCGCGGG-3'
Protein context (NP_065935.4, residues 1136-1156): RARVEKQRAE[Ala1146Val]ARELEELSER